The following is an entry in ClinVar:

ClinVar aggregate classification (germline): Uncertain significance (1 of 4 stars; one submission).

Submission:

GeneDx
Classification: Uncertain significance. Last evaluated: 2022-05-05. Review status: criteria provided, single submitter. Criteria: GeneDx Variant Classification Process June 2021. Collection method: clinical testing. Allele origin: germline. Affected: yes.
Comment: Not observed at significant frequency in large population cohorts (gnomAD); Canonical splice site variant in a gene or region of a gene for which loss of function is not a well-established mechanism of disease; Has not been previously published as pathogenic or benign to our knowledge; Variants in candidate genes are classified as variants of uncertain significance in accordance with ACMG guidelines (Richards et al., 2015)

NM_015057.5(MYCBP2):c.7660-2A>G

Gene: MYCBP2 (MYC binding protein 2; minus strand). Cytogenetic location: 13q22.3.
Variant type: single nucleotide variant.
Coding change: c.7660-2A>G on transcript NM_015057.5 (MANE Select); the canonical splice acceptor site of the intron before coding-DNA position 7660, A replaced by G.
Molecular consequence: splice acceptor variant.
Genome position (GRCh38, 1-based): chr13:77,126,544, T>C on the plus strand (A>G on the coding strand, the complement: MYCBP2 is on the minus strand). VCF-style: chr13-77126544-T-C. GRCh37 (hg19) VCF-style: chr13-77700679-T-C.
Identifiers: ClinVar variation 1722894 (VCV001722894.2), dbSNP rs2548661853, ClinGen allele CA388405154.
Genomic context (GRCh38, chr13:77,126,544, plus strand): 5'-TCCTGTGGGCAGCAGGAGTTTATGTCTTTGAAAAAGTCATCAGTATTAGTTTTAGATTCC[T>C]GAAAATTTGAATAGGAAAGAAAAATAAACAAAATACAATCTATTATCACTTTCAAAGCCT-3'